The following is an entry in ClinVar:

ClinVar aggregate classification (germline): Uncertain significance (1 of 4 stars; one submission).

Allele frequency attached by ClinVar (database versions not stated): gnomAD exomes below 0.00001.
gnomAD v4.1: 1 of 1,210,988 alleles (0.000083%); highest among the groups gnomAD compares: Non-Finnish European, 0.00011%; no homozygotes.

Submission:

GeneDx
Classification: Uncertain significance. Last evaluated: 2019-09-19. Review status: criteria provided, single submitter. Criteria: GeneDx Variant Classification Process June 2021. Collection method: clinical testing. Allele origin: germline. Affected: yes.
Comment: Not observed in large population cohorts (Lek et al., 2016); In silico analysis, which includes protein predictors and evolutionary conservation, supports that this variant does not alter protein structure/function; Has not been previously published as pathogenic or benign to our knowledge

NM_004606.5(TAF1):c.-8C>T

Gene: TAF1 (TATA-box binding protein associated factor 1; plus strand). Cytogenetic location: Xq13.1.
Variant type: single nucleotide variant.
Coding change: c.-8C>T on transcript NM_004606.5 (MANE Select); 8 bases upstream of the start codon, C replaced by T.
Molecular consequence: 5 prime UTR variant. On other transcripts: non-coding transcript variant (9).
Genome position (GRCh38, 1-based): chrX:71,366,367, C>T. VCF-style: chrX-71366367-C-T. GRCh37 (hg19) VCF-style: chrX-70586217-C-T.
Other names: c.-8C>T (NM_001286074.2, NM_138923.4).
Identifiers: ClinVar variation 1312253 (VCV001312253.2), dbSNP rs2032471554, ClinGen allele CA413502432.